The following is an entry in ClinVar:

NM_002063.4(GLRA2):c.861C>T (p.Val287=)

Gene: GLRA2 (glycine receptor alpha 2; plus strand). Cytogenetic location: Xp22.2.
Variant type: single nucleotide variant.
Coding change: c.861C>T on transcript NM_002063.4 (MANE Select); coding-DNA position 861, C replaced by T.
Protein change: p.Val287=; no amino-acid change (valine 287 retained).
Molecular consequence: synonymous variant.
Genome position (GRCh38, 1-based): chrX:14,609,136, C>T. VCF-style: chrX-14609136-C-T. GRCh37 (hg19) VCF-style: chrX-14627258-C-T.
Other names: c.861C>T, p.Val287= (NM_001118885.2, NM_001118886.2); c.594C>T, p.Val198= (NM_001171942.2).
Identifiers: ClinVar variation 4533671 (VCV004533671.6).
Genomic context (GRCh38, chrX:14,609,136, plus strand): 5'-TATAGTAATTTTGTCCTGGGTTTCCTTTTGGATAAATATGGATGCAGCCCCTGCCAGGGT[C>T]GCACTGGGCATCACCACAGTCTTAACGATGACCACCCAGAGTTCAGGCTCCAGGGCATCT-3'
Protein context (NP_002054.1, residues 277-297): WINMDAAPAR[Val287=]ALGITTVLTM

ClinVar aggregate classification (germline): Likely benign (1 of 4 stars; one submission).

gnomAD v4.1: 77 of 1,200,598 alleles (0.0064%); highest among the groups gnomAD compares: Admixed American, 0.14%; no homozygotes.

Submission:

CeGaT Center for Human Genetics Tuebingen
Classification: Likely benign. Last evaluated: 2025-10-01. Review status: criteria provided, single submitter. Criteria: CeGaT Center For Human Genetics Tuebingen Variant Classification Criteria Version 2. Collection method: clinical testing. Allele origin: germline. Affected: yes. Observed: 1 variant allele.
Comment: GLRA2: BP4, BP7, BS2